The following is an entry in ClinVar:

ClinVar aggregate classification (germline): Benign (1 of 4 stars; one submission).

Conditions:
Leigh syndrome (NULS). Also called: Leigh's necrotizing encephalopathy; Leigh's disease; Leigh Syndrome (mtDNA deletion); Leigh Disease; Subacute necrotizing encephalopathy; Necrotizing encephalopathy infantile subacute of Leigh. Identifiers: Orphanet 506, MedGen C2931891, MONDO:0009723, OMIM 256000.

Submission:

Wong Mito Lab, Molecular and Human Genetics, Baylor College of Medicine
Classification: Benign for Leigh syndrome. Last evaluated: 2019-10-17. Review status: criteria provided, single submitter. Criteria: Modified ACMG Guidelines (Unpublished). Collection method: clinical testing. Allele origin: germline.
Comment: The NC_012920.1:m.9855A>G (YP_003024032.1:p.Ile217Val) variant in MTCO3 gene is interpretated to be a Benign variant based on the modified ACMG guidelines (unpublished). This variant meets the following evidence codes: BS1, BS2, BP4

NC_012920.1(MT-CO3):m.9855A>G

Gene: MT-CO3 (mitochondrially encoded cytochrome c oxidase III; plus strand).
Variant type: single nucleotide variant.
Genome position: chrM-9855-A-G.
Identifiers: ClinVar variation 693241 (VCV000693241.1), dbSNP rs201552272, ClinGen allele CA337098591.